The following is an entry in ClinVar:

NM_004239.4(TRIP11):c.1835A>G (p.His612Arg)

Gene: TRIP11 (thyroid hormone receptor interactor 11; minus strand). Cytogenetic location: 14q32.12.
Variant type: single nucleotide variant.
Coding change: c.1835A>G on transcript NM_004239.4 (MANE Select); coding-DNA position 1835, A replaced by G.
Protein change: p.His612Arg; replaces histidine 612 with arginine.
Molecular consequence: missense variant.
Genome position (GRCh38, 1-based): chr14:92,006,141, T>C on the plus strand (A>G on the coding strand, the complement: TRIP11 is on the minus strand). VCF-style: chr14-92006141-T-C. GRCh37 (hg19) VCF-style: chr14-92472485-T-C.
Other names: c.1832A>G, p.His611Arg (NM_001321851.1); short protein forms H611R, H612R.
Identifiers: ClinVar variation 2430856 (VCV002430856.1), dbSNP rs916457479, ClinGen allele CA265612349.

ClinVar aggregate classification (germline): Uncertain significance (1 of 4 stars; one submission).

Allele frequency attached by ClinVar (database versions not stated): gnomAD 0.00003; TOPMed 0.00004.
gnomAD v4.1: 10 of 1,612,572 alleles (0.00062%); highest among the groups gnomAD compares: African/African-American, 0.012%; no homozygotes.

Submission:

GeneDx
Classification: Uncertain significance. Last evaluated: 2022-08-24. Review status: criteria provided, single submitter. Criteria: GeneDx Variant Classification Process June 2021. Collection method: clinical testing. Allele origin: germline. Affected: yes.
Comment: Not observed at significant frequency in large population cohorts (gnomAD); In silico analysis supports that this missense variant does not alter protein structure/function; Has not been previously published as pathogenic or benign to our knowledge